The following is an entry in ClinVar:

NM_015662.3(IFT172):c.3615A>G (p.Gly1205=)

Genes: IFT172 (intraflagellar transport 172; minus strand), LOC126806173 (BRD4-independent group 4 enhancer GRCh37_chr2:27676057-27677256; plus strand). Cytogenetic location: 2p23.3.
Variant type: single nucleotide variant.
Coding change: c.3615A>G on transcript NM_015662.3 (MANE Select); coding-DNA position 3615, A replaced by G.
Protein change: p.Gly1205=; no amino-acid change (glycine 1205 retained).
Molecular consequence: synonymous variant.
Genome position (GRCh38, 1-based): chr2:27,454,078, T>C on the plus strand (A>G on the coding strand, the complement: IFT172 is on the minus strand). VCF-style: chr2-27454078-T-C. GRCh37 (hg19) VCF-style: chr2-27676945-T-C.
Other names: c.3615A>G (NM_015662.2).
Identifiers: ClinVar variation 1099499 (VCV001099499.11), dbSNP rs768132019, ClinGen allele CA1579919.

ClinVar aggregate classification (germline): Likely benign. Review status: criteria provided, single submitter (1 of 4 stars). 2 submissions from 2 submitters: Likely benign (1). 1 of the submissions does not count toward it. Last evaluated 2025-04-19.

Conditions:
IFT172-related disorder. Also called: IFT172-related disorders; IFT172-related condition.
Retinitis pigmentosa 71 (RP71). Identifiers: Orphanet 791, MedGen C4225342, MONDO:0014618, OMIM 616394.
Short-rib thoracic dysplasia 10 with or without polydactyly (SRTD10). Identifiers: Orphanet 474, MedGen C3810175, MONDO:0014284, OMIM 615630.

Allele frequency attached by ClinVar (database versions not stated): TOPMed below 0.00001; gnomAD exomes 0.00001; ExAC 0.00002.
gnomAD v4.1: 14 of 1,614,072 alleles (0.00087%); highest among the groups gnomAD compares: Non-Finnish European, 0.0012%; no homozygotes.

Submissions (2):

Labcorp Genetics (formerly Invitae), Labcorp
Classification: Likely benign for Retinitis pigmentosa 71; Short-rib thoracic dysplasia 10 with or without polydactyly. Last evaluated: 2025-04-19. Review status: criteria provided, single submitter. Criteria: Invitae Variant Classification Sherloc (09022015). Collection method: clinical testing. Allele origin: germline.

PreventionGenetics, part of Exact Sciences
Classification: Likely benign for IFT172-related condition. Last evaluated: 2023-01-19. Review status: no assertion criteria provided. Collection method: clinical testing. Allele origin: germline. Not counted in ClinVar's aggregate classification.
Comment: This variant is classified as likely benign based on ACMG/AMP sequence variant interpretation guidelines (Richards et al. 2015 PMID: 25741868, with internal and published modifications).